The following is an entry in ClinVar:

NM_014915.3(ANKRD26):c.2302T>C (p.Ser768Pro)

Gene: ANKRD26 (ankyrin repeat domain containing 26; minus strand). Cytogenetic location: 10p12.1.
Variant type: single nucleotide variant.
Coding change: c.2302T>C on transcript NM_014915.3 (MANE Select); coding-DNA position 2302, T replaced by C.
Protein change: p.Ser768Pro; replaces serine 768 with proline.
Molecular consequence: missense variant.
Genome position (GRCh38, 1-based): chr10:27,040,038, A>G on the plus strand (T>C on the coding strand, the complement: ANKRD26 is on the minus strand). VCF-style: chr10-27040038-A-G. GRCh37 (hg19) VCF-style: chr10-27328967-A-G.
Other names: c.2299T>C, p.Ser767Pro (NM_001256053.2); short protein forms S767P, S768P.
Identifiers: ClinVar variation 4103751 (VCV004103751.1).

ClinVar aggregate classification (germline): Uncertain significance (1 of 4 stars; one submission).

Conditions:
Inborn genetic diseases. Identifiers: MedGen C0950123, MeSH D030342.

gnomAD v4.1: 1 of 1,613,750 alleles (0.000062%); highest among the groups gnomAD compares: Admixed American, 0.0017%; no homozygotes.

Submission:

Ambry Genetics
Classification: Uncertain significance for Inborn genetic diseases. Last evaluated: 2025-07-25. Review status: criteria provided, single submitter. Criteria: Ambry Variant Classification Scheme 2023. Collection method: clinical testing. Allele origin: germline.
Comment: The p.S768P variant (also known as c.2302T>C), located in coding exon 21 of the ANKRD26 gene, results from a T to C substitution at nucleotide position 2302. The serine at codon 768 is replaced by proline, an amino acid with similar properties. This amino acid position is conserved. In addition, this alteration is predicted to be tolerated by in silico analysis. Based on the available evidence, the clinical significance of this variant remains unclear.